The following is an entry in ClinVar:

NM_000092.5(COL4A4):c.1048G>A (p.Gly350Arg)

Gene: COL4A4 (collagen type IV alpha 4 chain; minus strand). Cytogenetic location: 2q36.3.
Variant type: single nucleotide variant.
Coding change: c.1048G>A on transcript NM_000092.5 (MANE Select); coding-DNA position 1048, G replaced by A.
Protein change: p.Gly350Arg; replaces glycine 350 with arginine.
Molecular consequence: missense variant.
Genome position (GRCh38, 1-based): chr2:227,099,671, C>T on the plus strand (G>A on the coding strand, the complement: COL4A4 is on the minus strand). VCF-style: chr2-227099671-C-T. GRCh37 (hg19) VCF-style: chr2-227964387-C-T.
Other names: short protein forms G350R.
Identifiers: ClinVar variation 2813228 (VCV002813228.3), dbSNP rs1425658406, ClinGen allele CA350854885.

ClinVar aggregate classification (germline): Uncertain significance (1 of 4 stars; one submission).

Submission:

Labcorp Genetics (formerly Invitae), Labcorp
Classification: Uncertain significance. Last evaluated: 2022-11-28. Review status: criteria provided, single submitter. Criteria: Invitae Variant Classification Sherloc (09022015). Collection method: clinical testing. Allele origin: germline.
Comment: This variant is not present in population databases (gnomAD no frequency). In summary, the available evidence is currently insufficient to determine the role of this variant in disease. Therefore, it has been classified as a Variant of Uncertain Significance. Advanced modeling of protein sequence and biophysical properties (such as structural, functional, and spatial information, amino acid conservation, physicochemical variation, residue mobility, and thermodynamic stability) performed at Invitae indicates that this missense variant is expected to disrupt COL4A4 protein function. This variant has not been reported in the literature in individuals affected with COL4A4-related conditions. This sequence change replaces glycine, which is neutral and non-polar, with arginine, which is basic and polar, at codon 350 of the COL4A4 protein (p.Gly350Arg).